The following is an entry in ClinVar:

ClinVar aggregate classification (germline): Uncertain significance. Review status: criteria provided, multiple submitters, no conflicts (2 of 4 stars). 2 submissions from 2 submitters: Uncertain significance (2). Last evaluated 2025-11-11.

Conditions:
GREB1L-related disorder. Also called: GREB1L-related condition.

gnomAD v4.1: 4 of 1,551,524 alleles (0.00026%); highest among the groups gnomAD compares: Non-Finnish European, 0.00026%; no homozygotes.

Submissions (2):

PreventionGenetics, part of Exact Sciences
Classification: Uncertain significance for GREB1L-related condition. Last evaluated: 2025-11-11. Review status: criteria provided, single submitter. Criteria: ACMG Guidelines, 2015. Collection method: clinical testing. Allele origin: germline.
Comment: The GREB1L c.1124C>T variant is predicted to result in the amino acid substitution p.Pro375Leu. To our knowledge, this variant has not been reported in the literature. This variant is reported in 0.0033% of alleles in individuals of European (Non-Finnish) descent in gnomAD. At this time, the clinical significance of this variant is uncertain due to the absence of conclusive functional and genetic evidence.

GeneDx
Classification: Uncertain significance. Last evaluated: 2024-01-29. Review status: criteria provided, single submitter. Criteria: GeneDx Variant Classification Process June 2021. Collection method: clinical testing. Allele origin: germline. Affected: yes.
Comment: Not observed at significant frequency in large population cohorts (gnomAD); In silico analysis supports that this missense variant has a deleterious effect on protein structure/function; Has not been previously published as pathogenic or benign to our knowledge

NM_001142966.3(GREB1L):c.1124C>T (p.Pro375Leu)

Genes: GREB1L (GREB1 like retinoic acid receptor coactivator; plus strand), GREB1L-AS1 (GREB1L antisense RNA 1; minus strand). Cytogenetic location: 18q11.1.
Variant type: single nucleotide variant.
Coding change: c.1124C>T on transcript NM_001142966.3 (MANE Select); coding-DNA position 1124, C replaced by T.
Protein change: p.Pro375Leu; replaces proline 375 with leucine.
Molecular consequence: missense variant.
Genome position (GRCh38, 1-based): chr18:21,441,454, C>T. VCF-style: chr18-21441454-C-T. GRCh37 (hg19) VCF-style: chr18-19021415-C-T.
Other names: c.1253C>T, p.Pro418Leu (NM_001410867.1); c.1124C>T, p.Pro375Leu (NM_001410868.1); short protein forms P375L, P418L.
Identifiers: ClinVar variation 3368309 (VCV003368309.2).